The following is an entry in ClinVar:

ClinVar aggregate classification (germline): Uncertain significance. Review status: criteria provided, multiple submitters, no conflicts (2 of 4 stars). 3 submissions from 3 submitters: Uncertain significance (3). Last evaluated 2022-03-13.

Conditions:
Mowat-Wilson syndrome (MOWS). Also called: Classic Mowat-Wilson Syndrome. Identifiers: Orphanet 2152, MedGen C1856113, MONDO:0009341, OMIM 235730.

Allele frequency attached by ClinVar (database versions not stated): TOPMed 0.00001; gnomAD exomes below 0.00001; ExAC 0.00001.
gnomAD v4.1: 1 of 1,613,762 alleles (0.000062%); highest among the groups gnomAD compares: African/African-American, 0.0013%; no homozygotes.

Submissions (3):

Labcorp Genetics (formerly Invitae), Labcorp
Classification: Uncertain significance for Mowat-Wilson syndrome. Last evaluated: 2022-03-13. Review status: criteria provided, single submitter. Criteria: Invitae Variant Classification Sherloc (09022015). Collection method: clinical testing. Allele origin: germline.
Comment: In summary, the available evidence is currently insufficient to determine the role of this variant in disease. Therefore, it has been classified as a Variant of Uncertain Significance. Algorithms developed to predict the effect of missense changes on protein structure and function are either unavailable or do not agree on the potential impact of this missense change (SIFT: "Deleterious"; PolyPhen-2: "Possibly Damaging"; Align-GVGD: "Class C0"). ClinVar contains an entry for this variant (Variation ID: 572414). This variant has not been reported in the literature in individuals affected with ZEB2-related conditions. This variant is present in population databases (rs756424812, gnomAD 0.007%). This sequence change replaces arginine, which is basic and polar, with glycine, which is neutral and non-polar, at codon 1180 of the ZEB2 protein (p.Arg1180Gly).

Genome-Nilou Lab
Classification: Uncertain significance for Mowat-Wilson syndrome. Last evaluated: 2021-11-07. Review status: criteria provided, single submitter. Criteria: ACMG Guidelines, 2015. Collection method: clinical testing. Allele origin: germline. Affected: no.

Baylor Genetics
Classification: Uncertain significance for Mowat-Wilson syndrome. Last evaluated: 2018-08-08. Review status: criteria provided, single submitter. Criteria: ACMG Guidelines, 2015. Collection method: clinical testing. Allele origin: paternal. Affected: yes.
Comment: This variant was determined to be of uncertain significance according to ACMG Guidelines, 2015 [PMID:25741868].

NM_014795.4(ZEB2):c.3538C>G (p.Arg1180Gly)

Gene: ZEB2 (zinc finger E-box binding homeobox 2; minus strand). Cytogenetic location: 2q22.3.
Variant type: single nucleotide variant.
Coding change: c.3538C>G on transcript NM_014795.4 (MANE Select); coding-DNA position 3538, C replaced by G.
Protein change: p.Arg1180Gly; replaces arginine 1180 with glycine.
Molecular consequence: missense variant.
Genome position (GRCh38, 1-based): chr2:144,389,558, G>C on the plus strand (C>G on the coding strand, the complement: ZEB2 is on the minus strand). VCF-style: chr2-144389558-G-C. GRCh37 (hg19) VCF-style: chr2-145147125-G-C.
Other names: c.3466C>G, p.Arg1156Gly (NM_001171653.2); short protein forms R1180G, R1156G.
Identifiers: ClinVar variation 572414 (VCV000572414.11), dbSNP rs756424812, ClinGen allele CA1898105.